The following is an entry in ClinVar:

NM_004656.4(BAP1):c.483A>T (p.Ala161=)

Gene: BAP1 (BRCA1 associated deubiquitinase 1; minus strand). Cytogenetic location: 3p21.1.
Variant type: single nucleotide variant.
Coding change: c.483A>T on transcript NM_004656.4 (MANE Select); coding-DNA position 483, A replaced by T.
Protein change: p.Ala161=; no amino-acid change (alanine 161 retained).
Molecular consequence: synonymous variant.
Genome position (GRCh38, 1-based): chr3:52,407,271, T>A on the plus strand (A>T on the coding strand, the complement: BAP1 is on the minus strand). VCF-style: chr3-52407271-T-A. GRCh37 (hg19) VCF-style: chr3-52441287-T-A.
Other names: c.483A>T, p.Ala161= (NM_001410772.1).
Identifiers: ClinVar variation 4992412 (VCV004992412.1).
Genomic context (GRCh38, chr3:52,407,271, plus strand): 5'-AAAGAGCCGGCCTGTGATAGGCACATAGCTGACAAAGTGGAACGCCTCCATGGTCCGCAC[T>A]GCACTAAGGCCATTCTGCTTCTCAGGGAGGTGGCGTGGCTCGGGCCTGGGGAAAAACAGA-3'
Protein context (NP_004647.1, residues 151-171): HLPEKQNGLS[Ala161=]VRTMEAFHFV

ClinVar aggregate classification (germline): Likely benign (1 of 4 stars; one submission).

Conditions:
BAP1-related disorder. Also called: BAP1-related condition.

Submission:

PreventionGenetics, part of Exact Sciences
Classification: Likely benign for BAP1-related condition. Last evaluated: 2026-01-09. Review status: criteria provided, single submitter. Criteria: ACMG Guidelines, 2015. Collection method: clinical testing. Allele origin: germline.
Comment: This variant is classified as likely benign based on ACMG/AMP sequence variant interpretation guidelines (Richards et al. 2015 PMID: 25741868, with internal and published modifications).